The following is an entry in ClinVar:

NM_006031.6(PCNT):c.5056C>T (p.Gln1686Ter)

Gene: PCNT (pericentrin; plus strand). Cytogenetic location: 21q22.3.
Variant type: single nucleotide variant.
Coding change: c.5056C>T on transcript NM_006031.6 (MANE Select); coding-DNA position 5056, C replaced by T.
Protein change: p.Gln1686Ter; replaces glutamine 1686 with a stop codon.
Molecular consequence: nonsense.
Genome position (GRCh38, 1-based): chr21:46,402,424, C>T. VCF-style: chr21-46402424-C-T. GRCh37 (hg19) VCF-style: chr21-47822338-C-T.
Other names: c.4702C>T, p.Gln1568Ter (NM_001315529.2); c.5056C>T (NM_006031.5); short protein forms Q1686*, Q1568*.
Identifiers: ClinVar variation 2990042 (VCV002990042.4), dbSNP rs745413738, ClinGen allele CA410581960.

ClinVar aggregate classification (germline): Pathogenic/Likely pathogenic. Review status: criteria provided, multiple submitters, no conflicts (2 of 4 stars). 2 submissions from 2 submitters: Pathogenic (1); Likely pathogenic (1). Last evaluated 2024-12-20.

Conditions:
PCNT-related disorder. Also called: PCNT-related condition.

Allele frequency attached by ClinVar (database versions not stated): gnomAD 0.00001.
gnomAD v4.1: 2 of 1,613,670 alleles (0.00012%); highest among the groups gnomAD compares: African/African-American, 0.0027%; no homozygotes.

Submissions (2):

PreventionGenetics, part of Exact Sciences
Classification: Likely pathogenic for PCNT-related condition. Last evaluated: 2024-12-20. Review status: criteria provided, single submitter. Criteria: ACMG Guidelines, 2015. Collection method: clinical testing. Allele origin: germline.
Comment: The PCNT c.5056C>T variant is predicted to result in premature protein termination (p.Gln1686*). To our knowledge, this variant has not been reported in the literature. This variant is reported in 0.011% of alleles in individuals of African descent in gnomAD. Nonsense variants in PCNT are expected to be pathogenic. This variant is interpreted as likely pathogenic.

Labcorp Genetics (formerly Invitae), Labcorp
Classification: Pathogenic. Last evaluated: 2023-09-08. Review status: criteria provided, single submitter. Criteria: Invitae Variant Classification Sherloc (09022015). Collection method: clinical testing. Allele origin: germline.
Comment: For these reasons, this variant has been classified as Pathogenic. This variant has not been reported in the literature in individuals affected with PCNT-related conditions. This variant is present in population databases (no rsID available, gnomAD 0.01%). This sequence change creates a premature translational stop signal (p.Gln1686*) in the PCNT gene. It is expected to result in an absent or disrupted protein product. Loss-of-function variants in PCNT are known to be pathogenic (PMID: 18174396, 22821869).

Literature cited by the submitters: PubMed 18174396 (cited by Labcorp Genetics (formerly Invitae), Labcorp); PubMed 22821869 (cited by Labcorp Genetics (formerly Invitae), Labcorp).